The following is an entry in ClinVar:

ClinVar aggregate classification (germline): Conflicting classifications of pathogenicity. Review status: criteria provided, conflicting classifications (1 of 4 stars). 10 submissions from 10 submitters: Uncertain significance (2); Benign (1); Likely benign (4). 3 of the submissions do not count toward it. Last evaluated 2025-04-09.

Conditions:
TTN-related disorder. Also called: TTN-related disorders; TTN-related condition; TTN-related disease.
Autosomal recessive limb-girdle muscular dystrophy type 2J (LGMDR10). Also called: Limb-girdle muscular dystrophy, type 2J; MUSCULAR DYSTROPHY, LIMB-GIRDLE, AUTOSOMAL RECESSIVE 10. Identifiers: Orphanet 140922, MedGen C1837342, MONDO:0012127, OMIM 608807.
Myopathy, myofibrillar, 9, with early respiratory failure (MFM9). Also called: Hereditary myopathy with early respiratory failure; EDSTROM MYOPATHY; MYOPATHY, PROXIMAL, WITH EARLY RESPIRATORY MUSCLE INVOLVEMENT; Myopathy, distal, with early respiratory failure, autosomal dominant. Identifiers: Orphanet 178464, Orphanet 34521, MedGen C1863599, MONDO:0011362, OMIM 603689.
Dilated cardiomyopathy 1G (CMD1G). Identifiers: Orphanet 154, MedGen C1858763, MONDO:0011400, OMIM 604145.
Early-onset myopathy with fatal cardiomyopathy (CMYO5). Also called: Salih Myopathy; CONGENITAL MYOPATHY 5 WITH CARDIOMYOPATHY. Identifiers: Orphanet 289377, MedGen C2673677, MONDO:0012714, OMIM 611705. Disease mechanism: loss of function.
Tibial muscular dystrophy (TMD). Also called: Udd Distal Myopathy – Tibial Muscular Dystrophy; UDD MYOPATHY; Tibial muscular dystrophy, tardive. Identifiers: Orphanet 609, MedGen C1838244, MONDO:0010870, OMIM 600334.
Hypertrophic cardiomyopathy 9. Also called: Familial hypertrophic cardiomyopathy 9. Identifiers: MedGen C1861065, MONDO:0013412, OMIM 613765.

Allele frequency attached by ClinVar (database versions not stated): 1000 Genomes Project 0.00020; TOPMed 0.00023; 1000 Genomes Project 30x 0.00031; ESP Exome Variant Server 0.00038; gnomAD 0.00045; gnomAD exomes 0.00061; ExAC 0.00066.
gnomAD v4.1: 674 of 1,613,146 alleles (0.042%); highest among the groups gnomAD compares: South Asian, 0.21%; 4 homozygotes.

Submissions (10):

Molecular Diagnostic Laboratory for Inherited Cardiovascular Disease, Montreal Heart Institute
Classification: Likely benign. Last evaluated: 2025-04-09. Review status: criteria provided, single submitter. Criteria: ACMG Guidelines, 2015. Collection method: clinical testing. Allele origin: germline. Affected: no.

ARUP Laboratories, Molecular Genetics and Genomics, ARUP Laboratories
Classification: Likely benign. Last evaluated: 2025-02-27. Review status: criteria provided, single submitter. Criteria: ARUP Molecular Germline Variant Investigation Process 2024. Collection method: clinical testing. Allele origin: germline.

Blueprint Genetics
Classification: Likely benign. Last evaluated: 2024-11-14. Review status: criteria provided, single submitter. Criteria: ACMG Guidelines, 2015. Collection method: clinical testing. Allele origin: germline.

Department of Pathology and Laboratory Medicine, Sinai Health System
Classification: Likely benign for Tibial muscular dystrophy; Myopathy, myofibrillar, 9, with early respiratory failure; Dilated cardiomyopathy 1G; Autosomal recessive limb-girdle muscular dystrophy type 2J; Early-onset myopathy with fatal cardiomyopathy; Hypertrophic cardiomyopathy 9. Last evaluated: 2022-06-03. Review status: criteria provided, single submitter. Criteria: ACMG Guidelines, 2015. Collection method: research. Allele origin: germline.

Laboratory for Molecular Medicine, Mass General Brigham Personalized Medicine
Classification: Benign. Last evaluated: 2020-09-22. Review status: criteria provided, single submitter. Criteria: LMM Criteria. Collection method: clinical testing. Allele origin: germline. Observed: 1 variant allele.
Comment: The p.Ile4327Val variant in TTN is classified as benign because it has been identified in 0.2% (68/30598) of South Asian chromosomes, including 1 homozygote, by gnomAD. ACMG/AMP Criteria applied: BA1

Eurofins Ntd Llc (ga)
Classification: Uncertain significance. Last evaluated: 2017-12-22. Review status: criteria provided, single submitter. Criteria: EGL Classification Definitions 2015. Collection method: clinical testing. Allele origin: germline. Observed: 4 variant alleles, 4 heterozygotes.

Biesecker Lab/Clinical Genomics Section, National Institutes of Health
Classification: Uncertain significance. Last evaluated: 2013-06-24. Review status: criteria provided, single submitter. Criteria: Ng et al. (Circ Cardiovasc Genet. 2013). Collection method: research. Allele origin: unknown. Observed: 1 variant allele. Study: ClinSeq.
Comment: The study set was not selected for affection status in relation to any cancer. Pathogenicity categories were based on literature curation. See Pubmed ID:23861362 for details.

Medical sequencing

PreventionGenetics, part of Exact Sciences
Classification: Likely benign for TTN-related condition. Last evaluated: 2023-05-17. Review status: no assertion criteria provided. Collection method: clinical testing. Allele origin: germline. Not counted in ClinVar's aggregate classification.
Comment: This variant is classified as likely benign based on ACMG/AMP sequence variant interpretation guidelines (Richards et al. 2015 PMID: 25741868, with internal and published modifications).

Clinical Genetics, Academic Medical Center
Classification: Benign. Review status: no assertion criteria provided. Collection method: clinical testing. Allele origin: germline. Affected: yes. Study: VKGL Data-share Consensus. Not counted in ClinVar's aggregate classification.

Diagnostic Laboratory, Department of Genetics, University Medical Center Groningen
Classification: Likely benign. Review status: no assertion criteria provided. Collection method: clinical testing. Allele origin: germline. Affected: yes. Study: VKGL Data-share Consensus. Not counted in ClinVar's aggregate classification.

NM_133379.5(TTN):c.12979A>G (p.Ile4327Val)

Gene: TTN (titin; minus strand). Cytogenetic location: 2q31.2.
Variant type: single nucleotide variant.
Coding change: c.12979A>G on transcript NM_133379.5; coding-DNA position 12979, A replaced by G.
Protein change: p.Ile4327Val; replaces isoleucine 4327 with valine.
Molecular consequence: missense variant. On other transcripts: intron variant (6).
Genome position (GRCh38, 1-based): chr2:178,749,421, T>C on the plus strand (A>G on the coding strand, the complement: TTN is on the minus strand). VCF-style: chr2-178749421-T-C. GRCh37 (hg19) VCF-style: chr2-179614148-T-C.
Other names: c.10360+3703A>G (NM_133378.4, NM_001256850.1); c.12979A>G (NM_133379.4); c.10222+3703A>G (NM_003319.4); c.10798+3703A>G (NM_133437.4); c.10597+3703A>G (NM_133432.3); c.11311+3703A>G (NM_001267550.2); short protein forms I4327V.
Identifiers: ClinVar variation 166266 (VCV000166266.18), dbSNP rs144226338, ClinGen allele CA179115.